The following is an entry in ClinVar:

ClinVar aggregate classification (germline): Uncertain significance (0 of 4 stars; one submission).

Conditions:
SEMA3E-related disorder. Also called: SEMA3E-related condition.

Allele frequency attached by ClinVar (database versions not stated): gnomAD exomes below 0.00001.
gnomAD v4.1: 1 of 1,614,066 alleles (0.000062%); highest among the groups gnomAD compares: African/African-American, 0.0013%; no homozygotes.

Submission:

PreventionGenetics, part of Exact Sciences
Classification: Uncertain significance for SEMA3E-related condition. Last evaluated: 2024-02-29. Review status: no assertion criteria provided. Collection method: clinical testing. Allele origin: germline.
Comment: The SEMA3E c.2103C>A variant is predicted to result in the amino acid substitution p.Ser701Arg. To our knowledge, this variant has not been reported in the literature or in a large population database, indicating this variant is rare. At this time, the clinical significance of this variant is uncertain due to the absence of conclusive functional and genetic evidence.

NM_012431.3(SEMA3E):c.2103C>A (p.Ser701Arg)

Gene: SEMA3E (semaphorin 3E; minus strand). Cytogenetic location: 7q21.11.
Variant type: single nucleotide variant.
Coding change: c.2103C>A on transcript NM_012431.3 (MANE Select); coding-DNA position 2103, C replaced by A.
Protein change: p.Ser701Arg; replaces serine 701 with arginine.
Molecular consequence: missense variant.
Genome position (GRCh38, 1-based): chr7:83,367,811, G>T on the plus strand (C>A on the coding strand, the complement: SEMA3E is on the minus strand). VCF-style: chr7-83367811-G-T. GRCh37 (hg19) VCF-style: chr7-82997127-G-T.
Other names: c.1923C>A, p.Ser641Arg (NM_001178129.2); short protein forms S641R, S701R.
Identifiers: ClinVar variation 3061085 (VCV003061085.2), dbSNP rs2484246871, ClinGen allele CA367913593.